The following is an entry in ClinVar:

NM_016363.5(GP6):c.260G>A (p.Arg87His)

Gene: GP6 (glycoprotein VI platelet; minus strand). Cytogenetic location: 19q13.42.
Variant type: single nucleotide variant.
Coding change: c.260G>A on transcript NM_016363.5 (MANE Select); coding-DNA position 260, G replaced by A.
Protein change: p.Arg87His; replaces arginine 87 with histidine.
Molecular consequence: missense variant.
Genome position (GRCh38, 1-based): chr19:55,032,204, C>T on the plus strand (G>A on the coding strand, the complement: GP6 is on the minus strand). VCF-style: chr19-55032204-C-T. GRCh37 (hg19) VCF-style: chr19-55543572-C-T.
Other names: c.260G>A, p.Arg87His (NM_001083899.2, NM_001256017.2); short protein forms R87H.
Identifiers: ClinVar variation 2072663 (VCV002072663.3), dbSNP rs759426349, ClinGen allele CA310134210.

ClinVar aggregate classification (germline): Uncertain significance. Review status: criteria provided, multiple submitters, no conflicts (2 of 4 stars). 2 submissions from 2 submitters: Uncertain significance (2). Last evaluated 2026-03-31.

Allele frequency attached by ClinVar (database versions not stated): TOPMed 0.00003; gnomAD 0.00005.
gnomAD v4.1: 73 of 1,613,786 alleles (0.0045%); highest among the groups gnomAD compares: Admixed American, 0.0067%; no homozygotes.

Submissions (2):

Women's Health and Genetics/Laboratory Corporation of America, LabCorp
Classification: Uncertain significance. Last evaluated: 2026-03-31. Review status: criteria provided, single submitter. Criteria: LabCorp Variant Classification Summary - May 2015. Collection method: clinical testing. Allele origin: germline.
Comment: Variant summary: GP6 c.260G>A (p.Arg87His) results in a non-conservative amino acid change in the encoded protein sequence. Algorithms developed to predict the effect of missense changes on protein structure and function are either unavailable or do not agree on the potential impact of this missense change. The variant allele was found at a frequency of 4e-05 in 249336 control chromosomes. This frequency is not significantly higher than estimated for disease-causing variants in GP6, allowing no conclusion about variant significance. To our knowledge, no occurrence of c.260G>A in individuals affected with GP6-related conditions and no experimental evidence demonstrating its impact on protein function have been reported. ClinVar contains an entry for this variant (Variation ID: 2072663). Based on the evidence outlined above, the variant was classified as uncertain significance.

Labcorp Genetics (formerly Invitae), Labcorp
Classification: Uncertain significance. Last evaluated: 2023-08-22. Review status: criteria provided, single submitter. Criteria: Invitae Variant Classification Sherloc (09022015). Collection method: clinical testing. Allele origin: germline.
Comment: This sequence change replaces arginine, which is basic and polar, with histidine, which is basic and polar, at codon 87 of the GP6 protein (p.Arg87His). This variant is present in population databases (rs759426349, gnomAD 0.01%). This variant has not been reported in the literature in individuals affected with GP6-related conditions. ClinVar contains an entry for this variant (Variation ID: 2072663). An algorithm developed to predict the effect of missense changes on protein structure and function (PolyPhen-2) suggests that this variant¬†is likely to be tolerated. In summary, the available evidence is currently insufficient to determine the role of this variant in disease. Therefore, it has been classified as a Variant of Uncertain Significance.

Literature cited by the submitters: PubMed 30242358 (cited by Women's Health and Genetics/Laboratory Corporation of America, LabCorp).